The following is an entry in ClinVar:

ClinVar aggregate classification (germline): Uncertain significance. Review status: criteria provided, multiple submitters, no conflicts (2 of 4 stars). 2 submissions from 2 submitters: Uncertain significance (2). Last evaluated 2025-10-21.

Allele frequency attached by ClinVar (database versions not stated): gnomAD exomes 0.00001.
gnomAD v4.1: 21 of 1,612,716 alleles (0.0013%); highest among the groups gnomAD compares: Non-Finnish European, 0.0018%; no homozygotes.

Submissions (2):

Labcorp Genetics (formerly Invitae), Labcorp
Classification: Uncertain significance. Last evaluated: 2025-10-21. Review status: criteria provided, single submitter. Criteria: Invitae Variant Classification Sherloc (09022015). Collection method: clinical testing. Allele origin: germline.
Comment: This sequence change replaces asparagine, which is neutral and polar, with isoleucine, which is neutral and non-polar, at codon 109 of the POLG2 protein (p.Asn109Ile). This variant is not present in population databases (gnomAD no frequency). This variant has not been reported in the literature in individuals affected with POLG2-related conditions. ClinVar contains an entry for this variant (Variation ID: 1320878). An algorithm developed to predict the effect of missense changes on protein structure and function (PolyPhen-2) suggests that this variant is likely to be disruptive. In summary, the available evidence is currently insufficient to determine the role of this variant in disease. Therefore, it has been classified as a Variant of Uncertain Significance.

GeneDx
Classification: Uncertain significance. Last evaluated: 2019-04-29. Review status: criteria provided, single submitter. Criteria: GeneDx Variant Classification Process June 2021. Collection method: clinical testing. Allele origin: germline. Affected: yes.
Comment: Not observed in large population cohorts (Lek et al., 2016); In silico analysis, which includes protein predictors and evolutionary conservation, supports a deleterious effect; Has not been previously published as pathogenic or benign to our knowledge

NM_007215.4(POLG2):c.326A>T (p.Asn109Ile)

Genes: MILR1 (mast cell immunoglobulin like receptor 1; plus strand), POLG2 (DNA polymerase gamma 2, accessory subunit; minus strand). Cytogenetic location: 17q23.3.
Variant type: single nucleotide variant.
Coding change: c.326A>T on transcript NM_007215.4 (MANE Select); coding-DNA position 326, A replaced by T.
Protein change: p.Asn109Ile; replaces asparagine 109 with isoleucine.
Molecular consequence: missense variant.
Genome position (GRCh38, 1-based): chr17:64,496,643, T>A on the plus strand (A>T on the coding strand, the complement: POLG2 is on the minus strand). VCF-style: chr17-64496643-T-A. GRCh37 (hg19) VCF-style: chr17-62492761-T-A.
Other names: short protein forms N109I.
Identifiers: ClinVar variation 1320878 (VCV001320878.6), dbSNP rs2144221884, ClinGen allele CA400641167.
Genomic context (GRCh38, chr17:64,496,643, plus strand): 5'-TCCACCGGGAATACCTGCTCCCTGAACACCACCACCGAGGTCCACCATTCTGCGGCCAGG[T>A]TCTTCCGCAACTCTACGCCCAAGGGTCCGAAGCCGGGGTGGCACCCACTCAGAAGAGAAT-3'
Protein context (NP_009146.2, residues 99-119): FGPLGVELRK[Asn109Ile]LAAEWWTSVV